The following is an entry in ClinVar:

ClinVar aggregate classification (germline): Conflicting classifications of pathogenicity. Review status: criteria provided, conflicting classifications (1 of 4 stars). 4 submissions from 4 submitters: Likely pathogenic (2); Uncertain significance (2). Last evaluated 2025-10-24.

Conditions:
Familial cancer of breast. Also called: BREAST CANCER, FAMILIAL; hereditary breast carcinoma; Hereditary breast cancer. Identifiers: Orphanet 227535, MedGen C0346153, MONDO:0016419, OMIM 114480. Disease mechanism: loss of function.
Hereditary cancer-predisposing syndrome. Also called: Neoplastic Syndromes, Hereditary; Tumor predisposition; Hereditary Cancer Syndrome; Hereditary neoplastic syndrome. Identifiers: Orphanet 140162, MedGen C0027672, MeSH D009386, MONDO:0015356.

Submissions (4):

Color Diagnostics, LLC DBA Color Health
Classification: Uncertain significance for Hereditary cancer-predisposing syndrome. Last evaluated: 2025-10-24. Review status: criteria provided, single submitter. Criteria: ACMG Guidelines, 2015. Collection method: clinical testing. Allele origin: germline.
Comment: This variant causes a G to A nucleotide substitution at the -1 position of intron 2 of the BARD1 gene. Splice site prediction tools predict that this variant may have a significant impact on RNA splicing by disrupting the canonical acceptor splice site and introducing an in-frame cryptic acceptor splice site 12 base pairs downstream. An external laboratory conducted RNA studies and reported use of the predicted cryptic splice site, however, detailed data are not available for review (ClinVar Accession: SCV000274744.10). This variant has not been reported in individuals affected with hereditary cancer in the literature. This variant has not been identified in the general population by the Genome Aggregation Database (gnomAD). The available evidence is insufficient to determine the role of this variant in disease conclusively. Therefore, this variant is classified as a Variant of Uncertain Significance.

Ambry Genetics
Classification: Uncertain significance for Hereditary cancer-predisposing syndrome. Last evaluated: 2025-05-07. Review status: criteria provided, single submitter. Criteria: Ambry Variant Classification Scheme 2023. Collection method: clinical testing. Allele origin: germline.
Comment: The c.216-1G>A intronic variant results from a G to A substitution one nucleotide upstream from coding exon 3 of the BARD1 gene. In silico splice site analysis predicts that this alteration will weaken the native splice acceptor site and will result in the creation or strengthening of a novel splice acceptor site. This novel donor site, if utilized, would result in an in-frame transcript with unknown functional impact. RNA studies have demonstrated that this alteration results in a transcript predicted to lead to a protein with an in-frame deletion of 4 amino acids; however, the exact functional impact of the deleted amino acids is unknown at this time (Ambry internal data). Based on the available evidence, the clinical significance of this variant remains unclear.

Myriad Genetics, Inc.
Classification: Likely pathogenic for Familial cancer of breast. Last evaluated: 2023-05-18. Review status: criteria provided, single submitter. Criteria: Myriad Autosomal Dominant, Autosomal Recessive and X-Linked Classification Criteria (2023). Collection method: clinical testing. Allele origin: unknown.
Comment: This variant is considered likely pathogenic. This variant occurs within a consensus splice junction and is predicted to result in abnormal mRNA splicing of either an out-of-frame exon or an in-frame exon necessary for protein stability and/or normal function.

Labcorp Genetics (formerly Invitae), Labcorp
Classification: Likely pathogenic for Familial cancer of breast. Last evaluated: 2019-12-28. Review status: criteria provided, single submitter. Criteria: Invitae Variant Classification Sherloc (09022015). Collection method: clinical testing. Allele origin: germline.
Comment: Donor and acceptor splice site variants typically lead to a loss of protein function (PMID: 16199547), and loss-of-function variants in BARD1 are known to be pathogenic (PMID: 20077502, 21344236). In summary, the currently available evidence indicates that the variant is pathogenic, but additional data are needed to prove that conclusively. Therefore, this variant has been classified as Likely Pathogenic. This variant is not present in population databases (ExAC no frequency). This variant has not been reported in the literature in individuals with BARD1-related conditions. ClinVar contains an entry for this variant (Variation ID: 231019). This sequence change affects an acceptor splice site in intron 2 of the BARD1 gene. It is expected to disrupt RNA splicing and likely results in an absent or disrupted protein product.

Literature cited by the submitters: PubMed 16199547 (cited by Labcorp Genetics (formerly Invitae), Labcorp); PubMed 20077502 (cited by Labcorp Genetics (formerly Invitae), Labcorp); PubMed 21344236 (cited by Labcorp Genetics (formerly Invitae), Labcorp).

NM_000465.4(BARD1):c.216-1G>A

Gene: BARD1 (BRCA1 associated RING domain 1; minus strand). Cytogenetic location: 2q35.
Variant type: single nucleotide variant.
Coding change: c.216-1G>A on transcript NM_000465.4 (MANE Select); the canonical splice acceptor site of the intron before coding-DNA position 216, G replaced by A.
Molecular consequence: splice acceptor variant. On other transcripts: intron variant (2).
Genome position (GRCh38, 1-based): chr2:214,792,446, C>T on the plus strand (G>A on the coding strand, the complement: BARD1 is on the minus strand). VCF-style: chr2-214792446-C-T. GRCh37 (hg19) VCF-style: chr2-215657170-C-T.
Other names: c.158+16966G>A (NM_001282548.2); c.159-1G>A (NM_001282543.2); c.215+4615G>A (NM_001282545.2); c.216-1G>A (NM_001282549.2).
Identifiers: ClinVar variation 231019 (VCV000231019.22), dbSNP rs876658905, ClinGen allele CA10577857.
Genomic context (GRCh38, chr2:214,792,446, plus strand): 5'-ATCCAGGCCGGGGTGTAACACACTGGACATCCAGTTCCAATGCAGTCACTTACACAATTA[C>T]TTTAAAATAATTAAAAAAAAAAAAAAAAGCAACCCATTCAGCAGAATTTAATTCCAAAAA-3'